The following is an entry in ClinVar:

NC_000003.12:g.148996742del

Gene: GYG1 (glycogenin 1; plus strand). Cytogenetic location: 3q24.
Variant type: Deletion.
Genome position: GRCh38 VCF-style: chr3-148996740-AG-A. GRCh37 (hg19) VCF-style: chr3-148714527-AG-A.
Identifiers: ClinVar variation 2081385 (VCV002081385.5), dbSNP rs2472710376, ClinGen allele CA2578002783.

ClinVar aggregate classification (germline): Pathogenic (1 of 4 stars; one submission).

Conditions:
Glycogen storage disease XV (GSD15). Also called: GLYCOGENIN DEFICIENCY; GSD XV. Identifiers: Orphanet 263297, MedGen C3150754, MONDO:0013291, OMIM 613507.
Polyglucosan body myopathy type 2. Identifiers: Orphanet 456369, MedGen C4015452, MONDO:0014526, OMIM 616199.

Submission:

Labcorp Genetics (formerly Invitae), Labcorp
Classification: Pathogenic for Polyglucosan body myopathy type 2; Glycogen storage disease XV. Last evaluated: 2022-03-12. Review status: criteria provided, single submitter. Criteria: Invitae Variant Classification Sherloc (09022015). Collection method: clinical testing. Allele origin: germline.
Comment: For these reasons, this variant has been classified as Pathogenic. Algorithms developed to predict the effect of sequence changes on RNA splicing suggest that this variant may disrupt the consensus splice site. This variant has not been reported in the literature in individuals affected with GYG1-related conditions. This variant is not present in population databases (gnomAD no frequency). This sequence change creates a premature translational stop signal (p.Val107Serfs*2) in the GYG1 gene. It is expected to result in an absent or disrupted protein product. Loss-of-function variants in GYG1 are known to be pathogenic (PMID: 20357282, 25272951).

Literature cited by the submitters: PubMed 20357282; PubMed 25272951.